The following is an entry in ClinVar:

NM_001244008.2(KIF1A):c.1264C>T (p.Arg422Cys)

Gene: KIF1A (kinesin family member 1A; minus strand). Cytogenetic location: 2q37.3.
Variant type: single nucleotide variant.
Coding change: c.1264C>T on transcript NM_001244008.2 (MANE Select); coding-DNA position 1264, C replaced by T.
Protein change: p.Arg422Cys; replaces arginine 422 with cysteine.
Molecular consequence: missense variant.
Genome position (GRCh38, 1-based): chr2:240,771,048, G>A on the plus strand (C>T on the coding strand, the complement: KIF1A is on the minus strand). VCF-style: chr2-240771048-G-A. GRCh37 (hg19) VCF-style: chr2-241710465-G-A.
Other names: c.1264C>T (NM_001244008.1); c.1264C>T, p.Arg422Cys (NM_001320705.2, NM_001330289.2, NM_001379638.1); c.1339C>T, p.Arg447Cys (NM_001330290.2, NM_001379631.1, NM_001379634.1 and 2 more transcripts); c.1237C>T, p.Arg413Cys (NM_001379632.1, NM_001379633.1, NM_001379636.1 and 10 more transcripts); c.1312C>T, p.Arg438Cys (NM_001379637.1, NM_001379648.1); c.1237C>T (NM_004321.5); short protein forms R413C, R422C, R447C, R438C.
Identifiers: ClinVar variation 451329 (VCV000451329.15), dbSNP rs374011613, ClinGen allele CA2208467.
Genomic context (GRCh38, chr2:240,771,048, plus strand): 5'-CCTCCTCGCTGCCCGGGGCAAACAAGATGCGCTCGTGGAGGCTGGACACGGAGGCCGCGC[G>A]GCTGGACAGGGCTGAGAGCGAGGATGAGGGGCTCATACCCACCAGGGCATTGGTCACTGT-3'
Protein context (NP_001230937.1, residues 412-432): PSSSLSALSS[Arg422Cys]AASVSSLHER

ClinVar aggregate classification (germline): Uncertain significance. Review status: criteria provided, multiple submitters, no conflicts (2 of 4 stars). 6 submissions from 6 submitters: Uncertain significance (6). Last evaluated 2026-07-01.

Conditions:
Inborn genetic diseases. Identifiers: MedGen C0950123, MeSH D030342.
KIF1A-related disorder. Also called: KIF1A-related disorders; KIF1A-related condition.
Neuropathy, hereditary sensory, type 2C. Also called: KIF1A-Related HSAN2 (HSAN2C); Hereditary sensory and autonomic neuropathy type IIC. Identifiers: Orphanet 970, MedGen C3280168, MONDO:0013634, OMIM 614213.
Intellectual disability, autosomal dominant 9 (NESCAVS). Also called: KIF1A-Related Neurodevelopmental Disorder; NESCAV SYNDROME. Identifiers: Orphanet 662367, MedGen C5393830, MONDO:0013656, OMIM 614255.
Neuropathy, hereditary sensory and autonomic, type 2A (HSAN2A). Also called: HSAN IIA; ACROOSTEOLYSIS, GIACCAI TYPE; ACROOSTEOLYSIS, NEUROGENIC; MORVAN DISEASE; WNK1-Related HSAN2 (HSAN2A); NEUROPATHY, CONGENITAL SENSORY. Identifiers: Orphanet 970, MedGen C2752089, MONDO:0024309, OMIM 201300.
Hereditary spastic paraplegia 30. Identifiers: Orphanet 101010, MedGen C5235139, MONDO:0012476.

Allele frequency attached by ClinVar (database versions not stated): TOPMed 0.00001; gnomAD exomes 0.00002; ExAC 0.00004; ESP Exome Variant Server 0.00008.

Submissions (6):

CeGaT Center for Human Genetics Tuebingen
Classification: Uncertain significance. Last evaluated: 2026-07-01. Review status: criteria provided, single submitter. Criteria: CeGaT Center For Human Genetics Tuebingen Variant Classification Criteria Version 2. Collection method: clinical testing. Allele origin: germline. Affected: yes. Observed: 1 variant allele.
Comment: KIF1A: PM2, PP3

PreventionGenetics, part of Exact Sciences
Classification: Uncertain significance for KIF1A-related condition. Last evaluated: 2026-05-13. Review status: criteria provided, single submitter. Criteria: ACMG Guidelines, 2015. Collection method: clinical testing. Allele origin: germline.
Comment: The KIF1A c.1264C>T variant is predicted to result in the amino acid substitution p.Arg422Cys. To our knowledge, this variant has not been reported in the literature. This variant is reported in 0.0056% of alleles in individuals of East Asian descent in gnomAD. At this time, the clinical significance of this variant is uncertain due to the absence of conclusive functional and genetic evidence.

Labcorp Genetics (formerly Invitae), Labcorp
Classification: Uncertain significance for Hereditary spastic paraplegia 30; Neuropathy, hereditary sensory, type 2C; Intellectual disability, autosomal dominant 9. Last evaluated: 2025-09-15. Review status: criteria provided, single submitter. Criteria: Invitae Variant Classification Sherloc (09022015). Collection method: clinical testing. Allele origin: germline.
Comment: This sequence change replaces arginine, which is basic and polar, with cysteine, which is neutral and slightly polar, at codon 413 of the KIF1A protein (p.Arg413Cys). This variant is present in population databases (rs374011613, gnomAD 0.006%). This variant has not been reported in the literature in individuals affected with KIF1A-related conditions. ClinVar contains an entry for this variant (Variation ID: 451329). Invitae Evidence Modeling of protein sequence and biophysical properties (such as structural, functional, and spatial information, amino acid conservation, physicochemical variation, residue mobility, and thermodynamic stability) indicates that this missense variant is expected to disrupt KIF1A protein function with a positive predictive value of 95%. In summary, the available evidence is currently insufficient to determine the role of this variant in disease. Therefore, it has been classified as a Variant of Uncertain Significance.

GeneDx
Classification: Uncertain significance. Last evaluated: 2025-01-24. Review status: criteria provided, single submitter. Criteria: GeneDx Variant Classification Process June 2021. Collection method: clinical testing. Allele origin: germline. Affected: yes.
Comment: In silico analysis supports that this missense variant has a deleterious effect on protein structure/function; Has not been previously published as pathogenic or benign to our knowledge

Ambry Genetics
Classification: Uncertain significance for Inborn genetic diseases. Last evaluated: 2021-04-20. Review status: criteria provided, single submitter. Criteria: Ambry Variant Classification Scheme 2023. Collection method: clinical testing. Allele origin: germline.

Fulgent Genetics
Classification: Uncertain significance for Neuropathy, hereditary sensory and autonomic, type 2A; Spastic paraplegia 30A, autosomal dominant; Neuropathy, hereditary sensory, type 2C; Intellectual disability, autosomal dominant 9. Last evaluated: 2018-10-31. Review status: criteria provided, single submitter. Criteria: ACMG Guidelines, 2015. Collection method: clinical testing. Allele origin: unknown.